The following is an entry in ClinVar:

ClinVar aggregate classification (germline): Uncertain significance (1 of 4 stars; one submission).

Allele frequency attached by ClinVar (database versions not stated): TOPMed below 0.00001.

Submission:

Labcorp Genetics (formerly Invitae), Labcorp
Classification: Uncertain significance. Last evaluated: 2024-10-22. Review status: criteria provided, single submitter. Criteria: Invitae Variant Classification Sherloc (09022015). Collection method: clinical testing. Allele origin: germline.
Comment: This sequence change replaces glutamic acid, which is acidic and polar, with aspartic acid, which is acidic and polar, at codon 64 of the SGPL1 protein (p.Glu64Asp). This variant is not present in population databases (gnomAD no frequency). This variant has not been reported in the literature in individuals affected with SGPL1-related conditions. ClinVar contains an entry for this variant (Variation ID: 1974054). An algorithm developed to predict the effect of missense changes on protein structure and function (PolyPhen-2) suggests that this variant¬†is likely to be tolerated. In summary, the available evidence is currently insufficient to determine the role of this variant in disease. Therefore, it has been classified as a Variant of Uncertain Significance.

NM_003901.4(SGPL1):c.192G>C (p.Glu64Asp)

Gene: SGPL1 (sphingosine-1-phosphate lyase 1; plus strand). Cytogenetic location: 10q22.1.
Variant type: single nucleotide variant.
Coding change: c.192G>C on transcript NM_003901.4 (MANE Select); coding-DNA position 192, G replaced by C.
Protein change: p.Glu64Asp; replaces glutamic acid 64 with aspartic acid.
Molecular consequence: missense variant.
Genome position (GRCh38, 1-based): chr10:70,844,637, G>C. VCF-style: chr10-70844637-G-C. GRCh37 (hg19) VCF-style: chr10-72604394-G-C.
Other names: short protein forms E64D.
Identifiers: ClinVar variation 1974054 (VCV001974054.4), dbSNP rs1845764335, ClinGen allele CA377113734.